The following is an entry in ClinVar:

ClinVar aggregate classification (germline): Conflicting classifications of pathogenicity. Review status: criteria provided, conflicting classifications (1 of 4 stars). 5 submissions from 5 submitters: Pathogenic (1); Likely pathogenic (2); Uncertain significance (1). 1 of the submissions does not count toward it. Last evaluated 2025-11-13.

Conditions:
Glycine encephalopathy 1 (GCE1). Identifiers: MedGen CN376801, MONDO:0958179, OMIM 605899.
Glycine encephalopathy. Also called: Non-ketotic hyperglycinemia; Nonketotic hyperglycinemia. Identifiers: Orphanet 407, MedGen C0751748, MONDO:0011612, HP:0008288.

Allele frequency attached by ClinVar (database versions not stated): gnomAD exomes below 0.00001; TOPMed below 0.00001.
gnomAD v4.1: 1 of 1,609,478 alleles (0.000062%); highest among the groups gnomAD compares: Non-Finnish European, 0.000085%; no homozygotes.

Submissions (5):

Natera, Inc.
Classification: Likely pathogenic for Non-ketotic hyperglycinemia. Last evaluated: 2025-11-13. Review status: criteria provided, single submitter. Criteria: Natera Variant Classification Schema (03/2026). Collection method: clinical testing. Allele origin: germline.
Comment: The c.2584G>A variant in GLDC is a missense variant predicted to cause substitution of glutamic acid to lysine at amino acid 862. This variant is rare in the general population with a frequency below the threshold expected for the associated phenotype(s). This variant has been observed in one or more individuals affected with the associated recessive disease, as either homozygous or compound heterozygous with a second variant (PMID: 26179960, 27362913). Computational prediction algorithms indicate this variant is likely to affect gene or protein function. Given the available evidence, this variant is classified as Likely Pathogenic.

Women's Health and Genetics/Laboratory Corporation of America, LabCorp
Classification: Uncertain significance. Last evaluated: 2025-07-01. Review status: criteria provided, single submitter. Criteria: LabCorp Variant Classification Summary - May 2015. Collection method: clinical testing. Allele origin: germline.
Comment: Variant summary: GLDC c.2584G>A (p.Glu862Lys) results in a conservative amino acid change in the encoded protein sequence. Algorithms developed to predict the effect of missense changes on protein structure and function are either unavailable or do not agree on the potential impact of this missense change. The variant was absent in 251420 control chromosomes. c.2584G>A has been observed in at-least three individual(s) affected with Glycine Encephalopathy (Non-Ketotic Hyperglycinemia) (Coughlin_2017, Swanson_2015). These data indicate that the variant may be associated with disease. To our knowledge, no experimental evidence demonstrating an impact on protein function has been reported. The following publications have been ascertained in the context of this evaluation (PMID: 27362913, 26179960). ClinVar contains an entry for this variant (Variation ID: 555999). Based on the evidence outlined above, the variant was classified as VUS-possibly pathogenic.

Myriad Genetics, Inc.
Classification: Likely pathogenic for Glycine encephalopathy 1. Last evaluated: 2025-02-05. Review status: criteria provided, single submitter. Criteria: Myriad Autosomal Dominant, Autosomal Recessive and X-Linked Classification Criteria (2023). Collection method: clinical testing. Allele origin: unknown.
Comment: NM_000170.2(GLDC):c.2584G>A(E862K) is a missense variant classified as likely pathogenic in the context of glycine encephalopathy, GLDC-related. E862K has been observed in cases with relevant disease (PMID: 27362913). Relevant functional assessments of this variant are not available in the literature. E862K has not been observed in referenced population frequency databases. In summary, NM_000170.2(GLDC):c.2584G>A(E862K) is a missense variant that has been observed more frequently in cases with the relevant disease than in healthy populations. Please note: this variant was assessed in the context of healthy population screening.

Labcorp Genetics (formerly Invitae), Labcorp
Classification: Pathogenic for Glycine encephalopathy. Last evaluated: 2023-02-27. Review status: criteria provided, single submitter. Criteria: Invitae Variant Classification Sherloc (09022015). Collection method: clinical testing. Allele origin: germline.
Comment: This sequence change replaces glutamic acid, which is acidic and polar, with lysine, which is basic and polar, at codon 862 of the GLDC protein (p.Glu862Lys). This variant is not present in population databases (gnomAD no frequency). This missense change has been observed in individual(s) with glycine encephalopathy (PMID: 26179960, 27362913). In at least one individual the data is consistent with being in trans (on the opposite chromosome) from a pathogenic variant. ClinVar contains an entry for this variant (Variation ID: 555999). Advanced modeling of protein sequence and biophysical properties (such as structural, functional, and spatial information, amino acid conservation, physicochemical variation, residue mobility, and thermodynamic stability) performed at Invitae indicates that this missense variant is expected to disrupt GLDC protein function. For these reasons, this variant has been classified as Pathogenic.

Counsyl
Classification: Likely pathogenic for Glycine encephalopathy 1. Last evaluated: 2018-01-05. Review status: no assertion criteria provided. Collection method: clinical testing. Allele origin: unknown. Not counted in ClinVar's aggregate classification.

Literature cited by the submitters: PubMed 26179960 (cited by 4 submitters); PubMed 27362913 (cited by 5 submitters).

NM_000170.3(GLDC):c.2584G>A (p.Glu862Lys)

Gene: GLDC (glycine decarboxylase; minus strand). Cytogenetic location: 9p24.1.
Variant type: single nucleotide variant.
Coding change: c.2584G>A on transcript NM_000170.3 (MANE Select); coding-DNA position 2584, G replaced by A.
Protein change: p.Glu862Lys; replaces glutamic acid 862 with lysine.
Molecular consequence: missense variant.
Genome position (GRCh38, 1-based): chr9:6,540,132, C>T on the plus strand (G>A on the coding strand, the complement: GLDC is on the minus strand). VCF-style: chr9-6540132-C-T. GRCh37 (hg19) VCF-style: chr9-6540132-C-T.
Other names: short protein forms E862K.
Identifiers: ClinVar variation 555999 (VCV000555999.14), dbSNP rs925908885, ClinGen allele CA188645710.